The following is an entry in ClinVar:

ClinVar aggregate classification (germline): Uncertain significance (1 of 4 stars; one submission).

Allele frequency attached by ClinVar (database versions not stated): ExAC 0.00001; gnomAD 0.00001; gnomAD exomes 0.00001; TOPMed 0.00001.
gnomAD v4.1: 17 of 1,614,130 alleles (0.0011%); highest among the groups gnomAD compares: Non-Finnish European, 0.0014%; no homozygotes.

Submission:

Labcorp Genetics (formerly Invitae), Labcorp
Classification: Uncertain significance. Last evaluated: 2024-03-11. Review status: criteria provided, single submitter. Criteria: Invitae Variant Classification Sherloc (09022015). Collection method: clinical testing. Allele origin: germline.
Comment: This sequence change replaces serine, which is neutral and polar, with asparagine, which is neutral and polar, at codon 938 of the DSG1 protein (p.Ser938Asn). This variant is present in population databases (rs760615244, gnomAD 0.002%). This variant has not been reported in the literature in individuals affected with DSG1-related conditions. ClinVar contains an entry for this variant (Variation ID: 1434287). Algorithms developed to predict the effect of missense changes on protein structure and function output the following: SIFT: "Not Available"; PolyPhen-2: "Benign"; Align-GVGD: "Not Available". The asparagine amino acid residue is found in multiple mammalian species, which suggests that this missense change does not adversely affect protein function. In summary, the available evidence is currently insufficient to determine the role of this variant in disease. Therefore, it has been classified as a Variant of Uncertain Significance.

NM_001942.4(DSG1):c.2813G>A (p.Ser938Asn)

Genes: DSG1 (desmoglein 1; plus strand), DSG1-AS1 (DSG1 antisense RNA 1; minus strand). Cytogenetic location: 18q12.1.
Variant type: single nucleotide variant.
Coding change: c.2813G>A on transcript NM_001942.4 (MANE Select); coding-DNA position 2813, G replaced by A.
Protein change: p.Ser938Asn; replaces serine 938 with asparagine.
Molecular consequence: missense variant.
Genome position (GRCh38, 1-based): chr18:31,355,009, G>A. VCF-style: chr18-31355009-G-A. GRCh37 (hg19) VCF-style: chr18-28934972-G-A.
Other names: short protein forms S938N.
Identifiers: ClinVar variation 1434287 (VCV001434287.6), dbSNP rs760615244, ClinGen allele CA8926451.